The following is an entry in ClinVar:

NM_003849.4(SUCLG1):c.37A>G (p.Thr13Ala)

Gene: SUCLG1 (succinate-CoA ligase GDP/ADP-forming subunit alpha; minus strand). Cytogenetic location: 2p11.2.
Variant type: single nucleotide variant.
Coding change: c.37A>G on transcript NM_003849.4 (MANE Select); coding-DNA position 37, A replaced by G.
Protein change: p.Thr13Ala; replaces threonine 13 with alanine.
Molecular consequence: missense variant.
Genome position (GRCh38, 1-based): chr2:84,459,233, T>C on the plus strand (A>G on the coding strand, the complement: SUCLG1 is on the minus strand). VCF-style: chr2-84459233-T-C. GRCh37 (hg19) VCF-style: chr2-84686357-T-C.
Other names: short protein forms T13A.
Identifiers: ClinVar variation 5017859 (VCV005017859.1).
Genomic context (GRCh38, chr2:84,459,233, plus strand): 5'-GGAGGAAGCTGCGCGACAGGAGACGGGCGGCGGCGAGGCCGCTGCTGCCGGAGACCATGG[T>C]AGCGATGTCAGCGGCAGCGGCAAGGGTTGCGGTCATACGCCAATGACACTCCCAGGCCCC-3'
Protein context (NP_003840.2, residues 3-23): ATLAAAADIA[Thr13Ala]MVSGSSGLAA

ClinVar aggregate classification (germline): Uncertain significance (1 of 4 stars; one submission).

Submission:

GeneDx
Classification: Uncertain significance. Last evaluated: 2026-04-03. Review status: criteria provided, single submitter. Criteria: GeneDx Variant Classification Process June 2021. Collection method: clinical testing. Allele origin: germline.
Comment: Not observed at significant frequency in large population cohorts (gnomAD); In silico analysis suggests that this missense variant does not alter protein structure/function; Has not been previously published as pathogenic or benign to our knowledge